The following is an entry in ClinVar:

ClinVar aggregate classification (germline): Uncertain significance (1 of 4 stars; one submission).

gnomAD v4.1: 50 of 1,607,550 alleles (0.0031%); highest among the groups gnomAD compares: Non-Finnish European, 0.0041%; no homozygotes.

Submission:

Labcorp Genetics (formerly Invitae), Labcorp
Classification: Uncertain significance. Last evaluated: 2022-01-04. Review status: criteria provided, single submitter. Criteria: Invitae Variant Classification Sherloc (09022015). Collection method: clinical testing. Allele origin: germline.
Comment: This sequence change replaces arginine, which is basic and polar, with serine, which is neutral and polar, at codon 394 of the LRRC56 protein (p.Arg394Ser). This variant is present in population databases (rs778415386, gnomAD 0.007%). This variant has not been reported in the literature in individuals affected with LRRC56-related conditions. Algorithms developed to predict the effect of missense changes on protein structure and function output the following: SIFT: "Tolerated"; PolyPhen-2: "Benign"; Align-GVGD: "Class C0". The serine amino acid residue is found in multiple mammalian species, which suggests that this missense change does not adversely affect protein function. In summary, the available evidence is currently insufficient to determine the role of this variant in disease. Therefore, it has been classified as a Variant of Uncertain Significance.

NM_198075.4(LRRC56):c.1180C>A (p.Arg394Ser)

Gene: LRRC56 (leucine rich repeat containing 56; plus strand). Cytogenetic location: 11p15.5.
Variant type: single nucleotide variant.
Coding change: c.1180C>A on transcript NM_198075.4 (MANE Select); coding-DNA position 1180, C replaced by A.
Protein change: p.Arg394Ser; replaces arginine 394 with serine.
Molecular consequence: missense variant.
Genome position (GRCh38, 1-based): chr11:552,231, C>A. VCF-style: chr11-552231-C-A. GRCh37 (hg19) VCF-style: chr11-552231-C-A.
Other names: short protein forms R394S.
Identifiers: ClinVar variation 2049154 (VCV002049154.1), dbSNP rs778415386, ClinGen allele CA5779980.